The following is an entry in ClinVar:

NM_003716.4(CADPS):c.75C>G (p.Gly25=)

Gene: CADPS (calcium dependent secretion activator; minus strand). Cytogenetic location: 3p14.2.
Variant type: single nucleotide variant.
Coding change: c.75C>G on transcript NM_003716.4 (MANE Select); coding-DNA position 75, C replaced by G.
Protein change: p.Gly25=; no amino-acid change (glycine 25 retained).
Molecular consequence: synonymous variant.
Genome position (GRCh38, 1-based): chr3:62,874,955, G>C on the plus strand (C>G on the coding strand, the complement: CADPS is on the minus strand). VCF-style: chr3-62874955-G-C. GRCh37 (hg19) VCF-style: chr3-62860630-G-C.
Other names: c.75C>G, p.Gly25= (NM_183393.3, NM_183394.3).
Identifiers: ClinVar variation 3029683 (VCV003029683.2), dbSNP rs745876740, ClinGen allele CA2477352.

ClinVar aggregate classification (germline): Likely benign (0 of 4 stars; one submission).

Conditions:
CADPS-related disorder. Also called: CADPS-related condition.

Allele frequency attached by ClinVar (database versions not stated): 1000 Genomes Project 30x 0.00016.
gnomAD v4.1: 14 of 1,575,942 alleles (0.00089%); highest among the groups gnomAD compares: East Asian, 0.025%; no homozygotes.

Submission:

PreventionGenetics, part of Exact Sciences
Classification: Likely benign for CADPS-related condition. Last evaluated: 2023-06-09. Review status: no assertion criteria provided. Collection method: clinical testing. Allele origin: germline.
Comment: This variant is classified as likely benign based on ACMG/AMP sequence variant interpretation guidelines (Richards et al. 2015 PMID: 25741868, with internal and published modifications).